The following is an entry in ClinVar:

ClinVar aggregate classification (germline): Benign/Likely benign. Review status: criteria provided, multiple submitters, no conflicts (2 of 4 stars). 8 submissions from 8 submitters: Benign (1); Likely benign (5). 2 of the submissions do not count toward it. Last evaluated 2025-10-01.

Conditions:
PAX8-related disorder. Also called: PAX8-related condition.
Hypothyroidism, congenital, nongoitrous, 2 (CHNG2). Also called: Hypothyroidism, congenital, due to thyroid dysgenesis or hypoplasia. Identifiers: Orphanet 95712, MedGen C1869118, MONDO:0024264, OMIM 218700.

Allele frequency attached by ClinVar (database versions not stated): 1000 Genomes Project 0.00160; 1000 Genomes Project 30x 0.00187; gnomAD exomes 0.00239 and 0.00417; gnomAD 0.00279 and 0.00299; TOPMed 0.00332; ESP Exome Variant Server 0.00355; ExAC 0.00369.
gnomAD v4.1: 6,267 of 1,559,894 alleles (0.4%); highest among the groups gnomAD compares: Non-Finnish European, 0.5%; 21 homozygotes.

Submissions (8):

CeGaT Center for Human Genetics Tuebingen
Classification: Likely benign. Last evaluated: 2025-10-01. Review status: criteria provided, single submitter. Criteria: CeGaT Center For Human Genetics Tuebingen Variant Classification Criteria Version 2. Collection method: clinical testing. Allele origin: germline. Affected: yes. Observed: 3 variant alleles.
Comment: PAX8: BS2

PreventionGenetics, part of Exact Sciences
Classification: Likely benign for PAX8-related condition. Last evaluated: 2025-06-18. Review status: criteria provided, single submitter. Criteria: ACMG Guidelines, 2015. Collection method: clinical testing. Allele origin: germline.
Comment: This variant is classified as likely benign based on ACMG/AMP sequence variant interpretation guidelines (Richards et al. 2015 PMID: 25741868, with internal and published modifications).

Blueprint Genetics
Classification: Likely benign. Last evaluated: 2024-11-04. Review status: criteria provided, single submitter. Criteria: ACMG Guidelines, 2015. Collection method: clinical testing. Allele origin: germline.

Labcorp Genetics (formerly Invitae), Labcorp
Classification: Benign. Last evaluated: 2019-12-31. Review status: criteria provided, single submitter. Criteria: Invitae Variant Classification Sherloc (09022015). Collection method: clinical testing. Allele origin: germline.

Illumina Laboratory Services, Illumina
Classification: Likely benign for Hypothyroidism, congenital, nongoitrous, 2. Last evaluated: 2017-04-27. Review status: criteria provided, single submitter. Criteria: ICSL Variant Classification Criteria 13 December 2019. Collection method: clinical testing. Allele origin: germline.
Comment: This variant was observed as part of a predisposition screen in an ostensibly healthy population. A literature search was performed for the gene, cDNA change, and amino acid change (where applicable). Publications were found based on this search. The evidence from the literature, in combination with allele frequency data from public databases where available, was sufficient to determine this variant is unlikely to cause disease. Therefore, this variant is classified as likely benign.

Breakthrough Genomics
Classification: Likely benign. Review status: criteria provided, single submitter. Criteria: ACMG Guidelines, 2015. Collection method: not provided. Allele origin: germline. Inheritance: Autosomal dominant inheritance. Affected: yes.

Clinical Genetics, Academic Medical Center
Classification: Benign. Review status: no assertion criteria provided. Collection method: clinical testing. Allele origin: germline. Affected: yes. Study: VKGL Data-share Consensus. Not counted in ClinVar's aggregate classification.

Genome Diagnostics Laboratory, University Medical Center Utrecht
Classification: Likely benign. Review status: no assertion criteria provided. Collection method: clinical testing. Allele origin: germline. Affected: yes. Study: VKGL Data-share Consensus. Not counted in ClinVar's aggregate classification.

Literature cited by the submitters: PubMed 20302910 (cited by Illumina Laboratory Services, Illumina); PubMed 17980011 (cited by Illumina Laboratory Services, Illumina).

NM_003466.4(PAX8):c.1317A>G (p.Ala439=)

Gene: PAX8 (paired box 8; minus strand). Cytogenetic location: 2q14.1.
Variant type: single nucleotide variant.
Coding change: c.1317A>G on transcript NM_003466.4 (MANE Select); coding-DNA position 1317, A replaced by G.
Protein change: p.Ala439=; no amino-acid change (alanine 439 retained).
Molecular consequence: synonymous variant. On other transcripts: 3 prime UTR variant (3).
Genome position (GRCh38, 1-based): chr2:113,218,569, T>C on the plus strand (A>G on the coding strand, the complement: PAX8 is on the minus strand). VCF-style: chr2-113218569-T-C. GRCh37 (hg19) VCF-style: chr2-113976146-T-C.
Other names: c.*41A>G (NM_013952.4, NM_013953.4, NM_013992.4).
Identifiers: ClinVar variation 701961 (VCV000701961.46), dbSNP rs368201100, ClinGen allele CA1839886.